The following is an entry in ClinVar:

NM_000883.4(IMPDH1):c.1732C>T (p.Arg578Trp)

Gene: IMPDH1 (inosine monophosphate dehydrogenase 1; minus strand). Cytogenetic location: 7q32.1.
Variant type: single nucleotide variant.
Coding change: c.1732C>T on transcript NM_000883.4 (MANE Select); coding-DNA position 1732, C replaced by T.
Protein change: p.Arg578Trp; replaces arginine 578 with tryptophan.
Molecular consequence: missense variant.
Genome position (GRCh38, 1-based): chr7:128,394,324, G>A on the plus strand (C>T on the coding strand, the complement: IMPDH1 is on the minus strand). VCF-style: chr7-128394324-G-A. GRCh37 (hg19) VCF-style: chr7-128034378-G-A.
Other names: c.1702C>T, p.Arg568Trp (NM_001102605.2); c.1477C>T, p.Arg493Trp (NM_001142573.2); c.1462C>T, p.Arg488Trp (NM_001142574.2); c.1402C>T, p.Arg468Trp (NM_001142575.2); c.1633C>T, p.Arg545Trp (NM_001142576.2); c.1525C>T, p.Arg509Trp (NM_001304521.2); c.1624C>T, p.Arg542Trp (NM_183243.3); short protein forms R509W, R542W, R468W, R488W, R493W, R545W, R578W, R568W.
Identifiers: ClinVar variation 958123 (VCV000958123.10), dbSNP rs564606103, ClinGen allele CA4470731.

ClinVar aggregate classification (germline): Conflicting classifications of pathogenicity. Review status: criteria provided, conflicting classifications (1 of 4 stars). 3 submissions from 3 submitters: Uncertain significance (2); Likely benign (1). Last evaluated 2025-06-07.

Conditions:
Inborn genetic diseases. Identifiers: MedGen C0950123, MeSH D030342.

Allele frequency attached by ClinVar (database versions not stated): gnomAD 0.00001; ExAC 0.00003; 1000 Genomes Project 30x 0.00016; 1000 Genomes Project 0.00020.
gnomAD v4.1: 23 of 1,614,070 alleles (0.0014%); highest among the groups gnomAD compares: South Asian, 0.016%; no homozygotes.

Submissions (3):

Ambry Genetics
Classification: Uncertain significance for Inborn genetic diseases. Last evaluated: 2025-06-07. Review status: criteria provided, single submitter. Criteria: Ambry Variant Classification Scheme 2023. Collection method: clinical testing. Allele origin: germline.

Labcorp Genetics (formerly Invitae), Labcorp
Classification: Uncertain significance. Last evaluated: 2024-11-19. Review status: criteria provided, single submitter. Criteria: Invitae Variant Classification Sherloc (09022015). Collection method: clinical testing. Allele origin: germline.
Comment: This sequence change replaces arginine, which is basic and polar, with tryptophan, which is neutral and slightly polar, at codon 578 of the IMPDH1 protein (p.Arg578Trp). This variant is present in population databases (rs564606103, gnomAD 0.03%). This missense change has been observed in individual(s) with IMPDH1 (internal data). This missense change has been observed in at least one individual who was not affected with IMPDH1-related conditions (internal data). ClinVar contains an entry for this variant (Variation ID: 958123). An algorithm developed to predict the effect of missense changes on protein structure and function (PolyPhen-2) suggests that this variant is likely to be disruptive. In summary, the available evidence is currently insufficient to determine the role of this variant in disease. Therefore, it has been classified as a Variant of Uncertain Significance.

Blueprint Genetics
Classification: Likely benign. Last evaluated: 2024-03-04. Review status: criteria provided, single submitter. Criteria: ACMG Guidelines, 2015. Collection method: clinical testing. Allele origin: germline.